The following is an entry in ClinVar:

ClinVar aggregate classification (germline): Uncertain significance (1 of 4 stars; one submission).

Submission:

Labcorp Genetics (formerly Invitae), Labcorp
Classification: Uncertain significance. Last evaluated: 2023-02-09. Review status: criteria provided, single submitter. Criteria: Invitae Variant Classification Sherloc (09022015). Collection method: clinical testing. Allele origin: germline.
Comment: This sequence change replaces serine, which is neutral and polar, with threonine, which is neutral and polar, at codon 169 of the PLD3 protein (p.Ser169Thr). This variant is not present in population databases (gnomAD no frequency). This variant has not been reported in the literature in individuals affected with PLD3-related conditions. Algorithms developed to predict the effect of missense changes on protein structure and function (SIFT, PolyPhen-2, Align-GVGD) all suggest that this variant is likely to be tolerated. In summary, the available evidence is currently insufficient to determine the role of this variant in disease. Therefore, it has been classified as a Variant of Uncertain Significance.

NM_012268.4(PLD3):c.506G>C (p.Ser169Thr)

Gene: PLD3 (phospholipase D family member 3; plus strand). Cytogenetic location: 19q13.2.
Variant type: single nucleotide variant.
Coding change: c.506G>C on transcript NM_012268.4 (MANE Select); coding-DNA position 506, G replaced by C.
Protein change: p.Ser169Thr; replaces serine 169 with threonine.
Molecular consequence: missense variant.
Genome position (GRCh38, 1-based): chr19:40,369,984, G>C. VCF-style: chr19-40369984-G-C. GRCh37 (hg19) VCF-style: chr19-40875891-G-C.
Other names: c.506G>C, p.Ser169Thr (NM_001031696.4, NM_001291311.2); short protein forms S169T.
Identifiers: ClinVar variation 2835746 (VCV002835746.3), dbSNP rs2145692584, ClinGen allele CA405870205.